The following is an entry in ClinVar:

ClinVar aggregate classification (germline): Pathogenic (1 of 4 stars; one submission).

Conditions:
Developmental and epileptic encephalopathy. Identifiers: MedGen C5779964, MONDO:0100620.

Submission:

Labcorp Genetics (formerly Invitae), Labcorp
Classification: Pathogenic for Early infantile epileptic encephalopathy with suppression bursts. Last evaluated: 2018-08-22. Review status: criteria provided, single submitter. Criteria: Invitae Variant Classification Sherloc (09022015). Collection method: clinical testing. Allele origin: germline.
Comment: This sequence change creates a premature translational stop signal (p.Glu616Alafs*5) in the SCN1A gene. It is expected to result in an absent or disrupted protein product. This variant is not present in population databases (ExAC no frequency). This variant has not been reported in the literature in individuals with SCN1A-related disease. Loss-of-function variants in SCN1A are known to be pathogenic (PMID: 17347258, 18930999). For these reasons, this variant has been classified as Pathogenic.

NM_001165963.4(SCN1A):c.1840_1852delinsGATTCCTTGTTTGTGCACTCAGGT (p.His614fs)

Gene: SCN1A (sodium voltage-gated channel alpha subunit 1; minus strand). Cytogenetic location: 2q24.3.
Variant type: Indel.
Coding change: c.1840_1852delinsGATTCCTTGTTTGTGCACTCAGGT on transcript NM_001165963.4 (MANE Select); coding-DNA positions 1840 to 1852, CACGGAGAGAGAC replaced by GATTCCTTGTTTGTGCACTCAGGT.
Protein change: p.His614fs; shifts the reading frame from histidine 614.
Molecular consequence: frameshift variant. On other transcripts: 5 prime UTR variant (1), non-coding transcript variant (1).
Genome position (GRCh38, 1-based): chr2:166,043,860-166,043,872, GTCTCTCTCCGTG replaced by ACCTGAGTGCACAAACAAGGAATC on the plus strand (CACGGAGAGAGAC replaced by GATTCCTTGTTTGTGCACTCAGGT on the coding strand, the reverse complement: SCN1A is on the minus strand). GRCh37 (hg19): chr2:166,900,370-166,900,382.
Other names: c.1840_1852delinsGATTCCTTGTTTGTGCACTCAGGT, p.His614fs (NM_001165964.3, NM_001202435.3, NM_001353948.2 and 7 more transcripts); c.1837_1849delinsGATTCCTTGTTTGTGCACTCAGGT, p.His613fs (NM_001353954.2, NM_001353955.2, NM_001353960.2); c.-586_-574delinsGATTCCTTGTTTGTGCACTCAGGT (NM_001353961.2); short protein forms H613fs, H614fs.
Identifiers: ClinVar variation 658077 (VCV000658077.2), dbSNP rs1574216450, ClinGen allele CA915942897.
Genomic context (GRCh38, chr2:166,043,860, plus strand): 5'-TCGCTGGAAACACTGCCAGCATCCGGGATGACCTACTGGTCTGACTCAGGTTGCTGTTGC[GTCTCTCTCCGTG>ACCTGAGTGCACAAACAAGGAATC]TCGTCGGGGCACAAACAAGGAATCTCTACGGCTCTCGTTATCCTCAAAGGTGCTGTGCTC-3'